The following is an entry in ClinVar:

ClinVar aggregate classification (germline): Uncertain significance (1 of 4 stars; one submission).

Conditions:
Early-infantile DEE. Also called: Early infantile epileptic encephalopathy with suppression bursts; Early infantile epileptic encephalopathy; Ohtahara syndrome. Identifiers: Orphanet 1934, MedGen C0393706, MONDO:0800491.

Allele frequency attached by ClinVar (database versions not stated): gnomAD 0.00001.
gnomAD v4.1: 1 of 1,614,032 alleles (0.000062%); highest among the groups gnomAD compares: South Asian, 0.0011%; no homozygotes.

Submission:

Labcorp Genetics (formerly Invitae), Labcorp
Classification: Uncertain significance for Early-infantile DEE. Last evaluated: 2022-06-20. Review status: criteria provided, single submitter. Criteria: Invitae Variant Classification Sherloc (09022015). Collection method: clinical testing. Allele origin: germline.
Comment: This sequence change replaces arginine, which is basic and polar, with leucine, which is neutral and non-polar, at codon 1637 of the SPTAN1 protein (p.Arg1637Leu). This variant is not present in population databases (gnomAD no frequency). This variant has not been reported in the literature in individuals affected with SPTAN1-related conditions. Algorithms developed to predict the effect of missense changes on protein structure and function are either unavailable or do not agree on the potential impact of this missense change (SIFT: "Deleterious"; PolyPhen-2: "Benign"; Align-GVGD: "Class C65"). In summary, the available evidence is currently insufficient to determine the role of this variant in disease. Therefore, it has been classified as a Variant of Uncertain Significance.

NM_001130438.3(SPTAN1):c.4910G>T (p.Arg1637Leu)

Gene: SPTAN1 (spectrin alpha, non-erythrocytic 1; plus strand). Cytogenetic location: 9q34.11.
Variant type: single nucleotide variant.
Coding change: c.4910G>T on transcript NM_001130438.3 (MANE Select); coding-DNA position 4910, G replaced by T.
Protein change: p.Arg1637Leu; replaces arginine 1637 with leucine.
Molecular consequence: missense variant.
Genome position (GRCh38, 1-based): chr9:128,612,113, G>T. VCF-style: chr9-128612113-G-T. GRCh37 (hg19) VCF-style: chr9-131374392-G-T.
Other names: c.4835G>T, p.Arg1612Leu (NM_001195532.2); c.4910G>T, p.Arg1637Leu (NM_001363759.2, NM_001375310.1, NM_001375311.2 and 1 more transcripts); c.4850G>T, p.Arg1617Leu (NM_001363765.2, NM_001375314.2); c.4946G>T, p.Arg1649Leu (NM_001375312.2, NM_001375318.1); c.4895G>T, p.Arg1632Leu (NM_003127.4); short protein forms R1612L, R1617L, R1637L, R1649L, R1632L.
Identifiers: ClinVar variation 1378750 (VCV001378750.7), dbSNP rs777707442, ClinGen allele CA375070784.
Genomic context (GRCh38, chr9:128,612,113, plus strand): 5'-GAGAGGGACGATTCTTCATAGATTTCATCTCTTTTTGGCTCCCTTCTGTTCCCCAGGCCC[G>T]CCTGGCTGCCTTAGCTGACCAGTGGCAGTTCTTGGTGCAAAAGTCAGCGGAAAAGAGCCA-3'
Protein context (NP_001123910.1, residues 1627-1647): CAGSEDAVKA[Arg1637Leu]LAALADQWQF